The following is an entry in ClinVar:

ClinVar aggregate classification (germline): Likely benign. Review status: criteria provided, multiple submitters, no conflicts (2 of 4 stars). 2 submissions from 2 submitters: Likely benign (2). Last evaluated 2026-01-14.

Allele frequency attached by ClinVar (database versions not stated): ESP Exome Variant Server 0.00015; gnomAD exomes 0.00021 and 0.00035; TOPMed 0.00021; ExAC 0.00039; gnomAD 0.00039 and 0.00040.

Submissions (2):

Labcorp Genetics (formerly Invitae), Labcorp
Classification: Likely benign. Last evaluated: 2026-01-14. Review status: criteria provided, single submitter. Criteria: Invitae Variant Classification Sherloc (09022015). Collection method: clinical testing. Allele origin: germline.

CeGaT Center for Human Genetics Tuebingen
Classification: Likely benign. Last evaluated: 2025-10-01. Review status: criteria provided, single submitter. Criteria: CeGaT Center For Human Genetics Tuebingen Variant Classification Criteria Version 2. Collection method: clinical testing. Allele origin: germline. Affected: yes. Observed: 1 variant allele.
Comment: LAMC3: BS1

NM_006059.4(LAMC3):c.4148T>A (p.Met1383Lys)

Gene: LAMC3 (laminin subunit gamma 3; plus strand). Cytogenetic location: 9q34.12.
Variant type: single nucleotide variant.
Coding change: c.4148T>A on transcript NM_006059.4 (MANE Select); coding-DNA position 4148, T replaced by A.
Protein change: p.Met1383Lys; replaces methionine 1383 with lysine.
Molecular consequence: missense variant.
Genome position (GRCh38, 1-based): chr9:131,085,641, T>A. VCF-style: chr9-131085641-T-A. GRCh37 (hg19) VCF-style: chr9-133961028-T-A.
Other names: short protein forms M1383K.
Identifiers: ClinVar variation 1651219 (VCV001651219.14), dbSNP rs200506003, ClinGen allele CA5288062.